The following is an entry in ClinVar:

NM_002203.4(ITGA2):c.3518T>C (p.Ile1173Thr)

Gene: ITGA2 (integrin subunit alpha 2; plus strand). Cytogenetic location: 5q11.2.
Variant type: single nucleotide variant.
Coding change: c.3518T>C on transcript NM_002203.4 (MANE Select); coding-DNA position 3518, T replaced by C.
Protein change: p.Ile1173Thr; replaces isoleucine 1173 with threonine.
Molecular consequence: missense variant. On other transcripts: non-coding transcript variant (5).
Genome position (GRCh38, 1-based): chr5:53,090,571, T>C. VCF-style: chr5-53090571-T-C. GRCh37 (hg19) VCF-style: chr5-52386401-T-C.
Other names: short protein forms I1173T.
Identifiers: ClinVar variation 353782 (VCV000353782.7), dbSNP rs200155411, ClinGen allele CA3263543.
Genomic context (GRCh38, chr5:53,090,571, plus strand): 5'-CTTTACAGCTCGGCTTCTTCAAAAGAAAATATGAAAAGATGACCAAAAATCCAGATGAGA[T>C]TGATGAGACCACAGAGCTCAGTAGCTGAACCAGCAGACCTACCTGCAGTGGGAACCGGCA-3'
Protein context (NP_002194.2, residues 1163-1181): YEKMTKNPDE[Ile1173Thr]DETTELSS

ClinVar aggregate classification (germline): Benign/Likely benign. Review status: criteria provided, multiple submitters, no conflicts (2 of 4 stars). 3 submissions from 3 submitters: Benign (1); Likely benign (2). Last evaluated 2024-10-23.

Conditions:
Platelet-type bleeding disorder 9 (BDPLT9). Also called: GLYCOPROTEIN Ia DEFICIENCY; GP Ia DEFICIENCY; COLLAGEN PLATELET RECEPTOR DEFICIENCY. Identifiers: Orphanet 73271, Orphanet 98886, MedGen C3280114, MONDO:0013622, OMIM 614200.
Inborn genetic diseases. Identifiers: MedGen C0950123, MeSH D030342.

Allele frequency attached by ClinVar (database versions not stated): gnomAD 0.00009 and 0.00011; gnomAD exomes 0.00014 and 0.00024; ESP Exome Variant Server 0.00015; TOPMed 0.00015; 1000 Genomes Project 30x 0.00016; ExAC 0.00016; 1000 Genomes Project 0.00020.
gnomAD v4.1: 363 of 1,614,042 alleles (0.022%); highest among the groups gnomAD compares: Non-Finnish European, 0.029%; 1 homozygote.

Submissions (3):

Blueprint Genetics
Classification: Likely benign. Last evaluated: 2024-10-23. Review status: criteria provided, single submitter. Criteria: ACMG Guidelines, 2015. Collection method: clinical testing. Allele origin: germline.

Ambry Genetics
Classification: Likely benign for Inborn genetic diseases. Last evaluated: 2022-12-21. Review status: criteria provided, single submitter. Criteria: Ambry Variant Classification Scheme 2023. Collection method: clinical testing. Allele origin: germline.

Illumina Laboratory Services, Illumina
Classification: Benign for Platelet-type bleeding disorder 9. Last evaluated: 2018-01-13. Review status: criteria provided, single submitter. Criteria: ICSL Variant Classification Criteria 13 December 2019. Collection method: clinical testing. Allele origin: germline.
Comment: This variant was observed in the ICSL laboratory as part of a predisposition screen in an ostensibly healthy population. It had not been previously curated by ICSL or reported in the Human Gene Mutation Database (HGMD: prior to June 1st, 2018), and was therefore a candidate for classification through an automated scoring system. Utilizing variant allele frequency, disease prevalence and penetrance estimates, and inheritance mode, an automated score was calculated to assess if this variant is too frequent to cause the disease. Based on the score and internal cut-off values, a variant classified as benign is not then subjected to further curation. The score for this variant resulted in a classification of benign for this disease.